The following is an entry in ClinVar:

ClinVar aggregate classification (germline): Uncertain significance (1 of 4 stars; one submission).

Conditions:
DICER1-related tumor predisposition. Also called: DICER1 syndrome; DICER1-related pleuropulmonary blastoma cancer predisposition syndrome. Identifiers: Orphanet 284343, MedGen C3839822, MONDO:0100216.

Submission:

Labcorp Genetics (formerly Invitae), Labcorp
Classification: Uncertain significance for DICER1-related tumor predisposition. Last evaluated: 2024-04-29. Review status: criteria provided, single submitter. Criteria: Invitae Variant Classification Sherloc (09022015). Collection method: clinical testing. Allele origin: germline.
Comment: This sequence change replaces lysine, which is basic and polar, with arginine, which is basic and polar, at codon 466 of the DICER1 protein (p.Lys466Arg). This variant is not present in population databases (gnomAD no frequency). This variant has not been reported in the literature in individuals affected with DICER1-related conditions. ClinVar contains an entry for this variant (Variation ID: 2137933). Advanced modeling of protein sequence and biophysical properties (such as structural, functional, and spatial information, amino acid conservation, physicochemical variation, residue mobility, and thermodynamic stability) performed at Invitae indicates that this missense variant is not expected to disrupt DICER1 protein function with a negative predictive value of 80%. In summary, the available evidence is currently insufficient to determine the role of this variant in disease. Therefore, it has been classified as a Variant of Uncertain Significance.

NM_177438.3(DICER1):c.1397A>G (p.Lys466Arg)

Gene: DICER1 (dicer 1, ribonuclease III; minus strand). Cytogenetic location: 14q32.13.
Variant type: single nucleotide variant.
Coding change: c.1397A>G on transcript NM_177438.3 (MANE Select); coding-DNA position 1397, A replaced by G.
Protein change: p.Lys466Arg; replaces lysine 466 with arginine.
Molecular consequence: missense variant. On other transcripts: 5 prime UTR variant (1), non-coding transcript variant (6).
Genome position (GRCh38, 1-based): chr14:95,117,734, T>C on the plus strand (A>G on the coding strand, the complement: DICER1 is on the minus strand). VCF-style: chr14-95117734-T-C. GRCh37 (hg19) VCF-style: chr14-95584071-T-C.
Other names: c.1397A>G, p.Lys466Arg (NM_001195573.1, NM_001271282.3, NM_001291628.2 and 13 more transcripts); c.1115A>G, p.Lys372Arg (NM_001395686.1); c.992A>G, p.Lys331Arg (NM_001395687.1, NM_001395688.1, NM_001395689.1 and 3 more transcripts); c.830A>G, p.Lys277Arg (NM_001395691.1); c.-172A>G (NM_001395697.1); short protein forms K466R, K277R, K372R, K331R.
Identifiers: ClinVar variation 2137933 (VCV002137933.4), dbSNP rs2543063823, ClinGen allele CA390885661.